The following is an entry in ClinVar:

ClinVar aggregate classification (germline): Uncertain significance (1 of 4 stars; one submission).

Conditions:
Neuroblastoma, susceptibility to, 3. Also called: ALK-Related Neuroblastic Tumor Susceptibility. Identifiers: Orphanet 635, MedGen C2751681, MONDO:0013083, OMIM 613014.

Submission:

Labcorp Genetics (formerly Invitae), Labcorp
Classification: Uncertain significance for Neuroblastoma, susceptibility to, 3. Last evaluated: 2025-04-02. Review status: criteria provided, single submitter. Criteria: Invitae Variant Classification Sherloc (09022015). Collection method: clinical testing. Allele origin: germline.
Comment: This sequence change replaces cysteine, which is neutral and slightly polar, with tryptophan, which is neutral and slightly polar, at codon 928 of the ALK protein (p.Cys928Trp). This variant is not present in population databases (gnomAD no frequency). This variant has not been reported in the literature in individuals affected with ALK-related conditions. ClinVar contains an entry for this variant (Variation ID: 470806). An algorithm developed to predict the effect of missense changes on protein structure and function (PolyPhen-2) suggests that this variant is likely to be disruptive. In summary, the available evidence is currently insufficient to determine the role of this variant in disease. Therefore, it has been classified as a Variant of Uncertain Significance.

NM_004304.5(ALK):c.2784C>G (p.Cys928Trp)

Gene: ALK (ALK receptor tyrosine kinase; minus strand). Cytogenetic location: 2p23.2.
Variant type: single nucleotide variant.
Coding change: c.2784C>G on transcript NM_004304.5 (MANE Select); coding-DNA position 2784, C replaced by G.
Protein change: p.Cys928Trp; replaces cysteine 928 with tryptophan.
Molecular consequence: missense variant.
Genome position (GRCh38, 1-based): chr2:29,228,915, G>C on the plus strand (C>G on the coding strand, the complement: ALK is on the minus strand). VCF-style: chr2-29228915-G-C. GRCh37 (hg19) VCF-style: chr2-29451781-G-C.
Other names: short protein forms C928W.
Identifiers: ClinVar variation 470806 (VCV000470806.10), dbSNP rs1553395572, ClinGen allele CA346469543.
Genomic context (GRCh38, chr2:29,228,915, plus strand): 5'-GTGACACCTTGAACACGAATCATCTTTACCTATATATCCTCCGCCTCCTCCACCTGAGGA[G>C]CACCCCCCTCCACCCCCTCCGAAACCCCCTCTTGTCTCCCACCCCCACTTCTTCATGGCC-3'
Protein context (NP_004295.2, residues 918-938): RGGFGGGGGG[Cys928Trp]SSGGGGGGYI